The following is an entry in ClinVar:

ClinVar aggregate classification (germline): Uncertain significance (1 of 4 stars; one submission).

Conditions:
Inborn genetic diseases. Identifiers: MedGen C0950123, MeSH D030342.

Submission:

Ambry Genetics
Classification: Uncertain significance for Inborn genetic diseases. Last evaluated: 2025-11-09. Review status: criteria provided, single submitter. Criteria: Ambry Variant Classification Scheme 2023. Collection method: clinical testing. Allele origin: germline.
Comment: The p.E227Q variant (also known as c.679G>C), located in coding exon 6 of the RUNX1 gene, results from a G to C substitution at nucleotide position 679. The glutamic acid at codon 227 is replaced by glutamine, an amino acid with highly similar properties. This amino acid position is conserved. In addition, the in silico prediction for this alteration is inconclusive. Based on the available evidence, the clinical significance of this variant remains unclear.

NM_001754.5(RUNX1):c.679G>C (p.Glu227Gln)

Gene: RUNX1 (RUNX family transcription factor 1; minus strand). Cytogenetic location: 21q22.12.
Variant type: single nucleotide variant.
Coding change: c.679G>C on transcript NM_001754.5 (MANE Select); coding-DNA position 679, G replaced by C.
Protein change: p.Glu227Gln; replaces glutamic acid 227 with glutamine.
Molecular consequence: missense variant.
Genome position (GRCh38, 1-based): chr21:34,834,536, C>G on the plus strand (G>C on the coding strand, the complement: RUNX1 is on the minus strand). VCF-style: chr21-34834536-C-G. GRCh37 (hg19) VCF-style: chr21-36206833-C-G.
Other names: c.598G>C, p.Glu200Gln (NM_001001890.3, NM_001122607.2); short protein forms E200Q, E227Q.
Identifiers: ClinVar variation 4629710 (VCV004629710.1).